The following is an entry in ClinVar:

ClinVar aggregate classification (germline): Uncertain significance (1 of 4 stars; one submission).

Submission:

Labcorp Genetics (formerly Invitae), Labcorp
Classification: Uncertain significance. Last evaluated: 2024-08-07. Review status: criteria provided, single submitter. Criteria: Invitae Variant Classification Sherloc (09022015). Collection method: clinical testing. Allele origin: germline.
Comment: This sequence change falls in intron 6 of the NDUFAF7 gene. It does not directly change the encoded amino acid sequence of the NDUFAF7 protein. This variant is present in population databases (rs772961401, gnomAD 0.03%). This variant has not been reported in the literature in individuals affected with NDUFAF7-related conditions. ClinVar contains an entry for this variant (Variation ID: 1991440). Algorithms developed to predict the effect of sequence changes on RNA splicing suggest that this variant may disrupt the consensus splice site. In summary, the available evidence is currently insufficient to determine the role of this variant in disease. Therefore, it has been classified as a Variant of Uncertain Significance.

NM_144736.5(NDUFAF7):c.937-13_937-10del

Gene: NDUFAF7 (NADH:ubiquinone oxidoreductase complex assembly factor 7; plus strand). Cytogenetic location: 2p22.2.
Variant type: Deletion.
Coding change: c.937-13_937-10del on transcript NM_144736.5 (MANE Select); 13 bases into the intron before coding-DNA position 937 through 10 bases into the intron before coding-DNA position 937, 4 bases deleted (CTTT; older notation c.937-13_937-10delCTTT).
Molecular consequence: intron variant.
Genome position (GRCh38, 1-based): chr2:37,247,443-37,247,446, CTTT deleted; deleting any 4 consecutive bases within chr2:37,247,440-37,247,446 gives the same sequence; the c. name uses the placement nearest the transcript's 3' end. VCF-style (leftmost placement, unchanged base first): chr2-37247439-ATTTC-A. GRCh37 (hg19) VCF-style: chr2-37474582-ATTTC-A.
Other names: c.937-13_937-10del (NM_001350024.2); c.724-13_724-10del (NM_001350027.2); c.856-13_856-10del (NM_001350025.2); c.643-13_643-10del (NM_001083946.2).
Identifiers: ClinVar variation 1991440 (VCV001991440.4), dbSNP rs772961401, ClinGen allele CA1617343.